The following is an entry in ClinVar:

ClinVar aggregate classification (germline): Uncertain significance (1 of 4 stars; one submission).

Conditions:
Hereditary cancer-predisposing syndrome. Also called: Neoplastic Syndromes, Hereditary; Tumor predisposition; Hereditary Cancer Syndrome; Hereditary neoplastic syndrome. Identifiers: Orphanet 140162, MedGen C0027672, MeSH D009386, MONDO:0015356.

Allele frequency attached by ClinVar (database versions not stated): gnomAD exomes below 0.00001 and 0.00001; TOPMed 0.00001; ExAC 0.00002.
gnomAD v4.1: 3 of 1,613,104 alleles (0.00019%); highest among the groups gnomAD compares: Non-Finnish European, 0.00025%; no homozygotes.

Submission:

Ambry Genetics
Classification: Uncertain significance for Hereditary cancer-predisposing syndrome. Last evaluated: 2019-03-06. Review status: criteria provided, single submitter. Criteria: Ambry Variant Classification Scheme 2023. Collection method: clinical testing. Allele origin: germline.
Comment: The p.P361A variant (also known as c.1081C>G), located in coding exon 9 of the MRE11A gene, results from a C to G substitution at nucleotide position 1081. The proline at codon 361 is replaced by alanine, an amino acid with highly similar properties. This amino acid position is highly conserved in available vertebrate species. In addition, this alteration is predicted to be deleterious by in silico analysis. Since supporting evidence is limited at this time, the clinical significance of this alteration remains unclear.

NM_005591.4(MRE11):c.1081C>G (p.Pro361Ala)

Gene: MRE11 (MRE11 double strand break repair nuclease; minus strand). Cytogenetic location: 11q21.
Variant type: single nucleotide variant.
Coding change: c.1081C>G on transcript NM_005591.4 (MANE Select); coding-DNA position 1081, C replaced by G.
Protein change: p.Pro361Ala; replaces proline 361 with alanine.
Molecular consequence: missense variant.
Genome position (GRCh38, 1-based): chr11:94,467,830, G>C on the plus strand (C>G on the coding strand, the complement: MRE11 is on the minus strand). VCF-style: chr11-94467830-G-C. GRCh37 (hg19) VCF-style: chr11-94200996-G-C.
Other names: c.1081C>G, p.Pro361Ala (NM_001330347.2, NM_005590.4); short protein forms P361A.
Identifiers: ClinVar variation 141023 (VCV000141023.5), dbSNP rs587781440, ClinGen allele CA164258.
Genomic context (GRCh38, chr11:94,467,830, plus strand): 5'-CTTTGAAAATTAATAATATTCAATCTATATAAATAGGACTTACTCGCAGTCGTACAAGAG[G>C]CTTCTCTGGCTGGTGAGAATTACCCAGACGTTCCCGTTCAGCATTTTCAAGCATTTCTTC-3'
Protein context (NP_005582.1, residues 351-371): RLGNSHQPEK[Pro361Ala]LVRLRVDYSG